The following is an entry in ClinVar:

NM_001164508.2(NEB):c.5140AAG[1] (p.Lys1715del)

Gene: NEB (nebulin; minus strand). Cytogenetic location: 2q23.3.
Variant type: Microsatellite.
Coding change: c.5140AAG[1] on transcript NM_001164508.2 (MANE Select); one copy of the 3-base unit AAG starting at c.5140; the reference has two copies in a row; one copy, 3 bases deleted.
Protein change: p.Lys1715del; deletes lysine 1715.
Molecular consequence: inframe deletion.
Genome position (GRCh38, 1-based): chr2:151,665,426-151,665,428, CTT deleted on the plus strand (AAG on the coding strand, the reverse complement: NEB is on the minus strand); deleting any 3 consecutive bases within chr2:151,665,426-151,665,433 gives the same sequence; the position shown is the placement nearest the transcript's 3' end. VCF-style (leftmost placement, unchanged base first): chr2-151665425-ACTT-A. GRCh37 (hg19) VCF-style: chr2-152521939-ACTT-A.
Other names: c.5140AAG[1], p.Lys1715del (NM_001164507.2, NM_001271208.2, NM_004543.5); short protein forms K1715del.
Identifiers: ClinVar variation 552038 (VCV000552038.7), dbSNP rs1553492424, ClinGen allele CA658822228.

ClinVar aggregate classification (germline): Uncertain significance. Review status: criteria provided, single submitter (1 of 4 stars). 2 submissions from 2 submitters: Uncertain significance (1). 1 of the submissions does not count toward it. Last evaluated 2022-09-13.

Conditions:
Nemaline myopathy 2 (NEM2). Also called: Nemaline myopathy 2, autosomal recessive. Identifiers: MedGen C1850569, MONDO:0009725, OMIM 256030.

Submissions (2):

Labcorp Genetics (formerly Invitae), Labcorp
Classification: Uncertain significance for Nemaline myopathy 2. Last evaluated: 2022-09-13. Review status: criteria provided, single submitter. Criteria: Invitae Variant Classification Sherloc (09022015). Collection method: clinical testing. Allele origin: germline.
Comment: This variant, c.5143_5145del, results in the deletion of 1 amino acid(s) of the NEB protein (p.Lys1715del), but otherwise preserves the integrity of the reading frame. This variant is not present in population databases (gnomAD no frequency). This variant has not been reported in the literature in individuals affected with NEB-related conditions. ClinVar contains an entry for this variant (Variation ID: 552038). Experimental studies and prediction algorithms are not available or were not evaluated, and the functional significance of this variant is currently unknown. In summary, the available evidence is currently insufficient to determine the role of this variant in disease. Therefore, it has been classified as a Variant of Uncertain Significance.

Counsyl
Classification: Uncertain significance for Nemaline myopathy 2. Last evaluated: 2017-05-19. Review status: no assertion criteria provided. Collection method: clinical testing. Allele origin: unknown. Not counted in ClinVar's aggregate classification.